The following is an entry in ClinVar:

ClinVar aggregate classification (germline): Uncertain significance (1 of 4 stars; one submission).

Submission:

CeGaT Center for Human Genetics Tuebingen
Classification: Uncertain significance. Last evaluated: 2025-04-01. Review status: criteria provided, single submitter. Criteria: CeGaT Center For Human Genetics Tuebingen Variant Classification Criteria Version 2. Collection method: clinical testing. Allele origin: germline. Affected: yes. Observed: 1 variant allele.
Comment: SLC16A2: PM2, BP4

NM_006517.5(SLC16A2):c.391G>C (p.Glu131Gln)

Gene: SLC16A2 (solute carrier family 16 member 2; plus strand). Cytogenetic location: Xq13.2.
Variant type: single nucleotide variant.
Coding change: c.391G>C on transcript NM_006517.5 (MANE Select); coding-DNA position 391, G replaced by C.
Protein change: p.Glu131Gln; replaces glutamic acid 131 with glutamine.
Molecular consequence: missense variant.
Genome position (GRCh38, 1-based): chrX:74,422,028, G>C. VCF-style: chrX-74422028-G-C. GRCh37 (hg19) VCF-style: chrX-73641863-G-C.
Other names: short protein forms E131Q.
Identifiers: ClinVar variation 3898720 (VCV003898720.7).